The following is an entry in ClinVar:

NM_004260.4(RECQL4):c.3296G>A (p.Arg1099Lys)

Gene: RECQL4 (RecQ like helicase 4; minus strand). Cytogenetic location: 8q24.3.
Variant type: single nucleotide variant.
Coding change: c.3296G>A on transcript NM_004260.4 (MANE Select); coding-DNA position 3296, G replaced by A.
Protein change: p.Arg1099Lys; replaces arginine 1099 with lysine.
Molecular consequence: missense variant.
Genome position (GRCh38, 1-based): chr8:144,512,008, C>T on the plus strand (G>A on the coding strand, the complement: RECQL4 is on the minus strand). VCF-style: chr8-144512008-C-T. GRCh37 (hg19) VCF-style: chr8-145737391-C-T.
Other names: short protein forms R1099K.
Identifiers: ClinVar variation 1387924 (VCV001387924.5), dbSNP rs760298099, ClinGen allele CA4947826.
Genomic context (GRCh38, chr8:144,512,008, plus strand): 5'-ATGCCTCCCGGCTCCTGCCCTTCCTCTTCCTCAAAGTAGCGGCCGAGCAGGTCCTTGAGC[C>T]TGGTGCTGCGCTCCTCATCCTGCTGCTCCAGGCAGGGCCCGCAGCTGGGGAAGGCTACGC-3'
Protein context (NP_004251.4, residues 1089-1109): LEQQDEERST[Arg1099Lys]LKDLLGRYFE

ClinVar aggregate classification (germline): Uncertain significance (1 of 4 stars; one submission).

Conditions:
Baller-Gerold syndrome (BGS). Also called: CRANIOSYNOSTOSIS WITH RADIAL DEFECTS. Identifiers: Orphanet 1225, MedGen C0265308, MONDO:0009039, OMIM 218600.

Allele frequency attached by ClinVar (database versions not stated): gnomAD exomes below 0.00001; TOPMed below 0.00001; ExAC 0.00001.
gnomAD v4.1: 1 of 1,609,620 alleles (0.000062%); highest among the groups gnomAD compares: South Asian, 0.0011%; no homozygotes.

Submission:

Labcorp Genetics (formerly Invitae), Labcorp
Classification: Uncertain significance for Baller-Gerold syndrome. Last evaluated: 2023-09-17. Review status: criteria provided, single submitter. Criteria: Invitae Variant Classification Sherloc (09022015). Collection method: clinical testing. Allele origin: germline.
Comment: This variant is present in population databases (rs760298099, gnomAD 0.006%). In summary, the available evidence is currently insufficient to determine the role of this variant in disease. Therefore, it has been classified as a Variant of Uncertain Significance. Advanced modeling of protein sequence and biophysical properties (such as structural, functional, and spatial information, amino acid conservation, physicochemical variation, residue mobility, and thermodynamic stability) performed at Invitae indicates that this missense variant is not expected to disrupt RECQL4 protein function. ClinVar contains an entry for this variant (Variation ID: 1387924). This variant has not been reported in the literature in individuals affected with RECQL4-related conditions. This sequence change replaces arginine, which is basic and polar, with lysine, which is basic and polar, at codon 1099 of the RECQL4 protein (p.Arg1099Lys).